The following is an entry in ClinVar:

NM_014314.4(RIGI):c.852dup (p.Phe285fs)

Gene: RIGI (RNA sensor RIG-I; minus strand). Cytogenetic location: 9p21.1.
Variant type: Duplication.
Coding change: c.852dup on transcript NM_014314.4 (MANE Select); coding-DNA position 852, one base duplicated (A; older notation c.852dupA).
Protein change: p.Phe285fs; shifts the reading frame from phenylalanine 285.
Molecular consequence: frameshift variant.
Genome position (GRCh38, 1-based): chr9:32,488,835, T duplicated on the plus strand (A on the coding strand, the reverse complement: RIGI is on the minus strand); the first of 6 consecutive T bases (chr9:32,488,835-32,488,840); duplicating any one gives the same sequence. VCF-style (leftmost placement, unchanged base first): chr9-32488834-A-AT. GRCh37 (hg19) VCF-style: chr9-32488832-A-AT.
Other names: c.852dup, p.Phe285fs (NM_001385907.1, NM_001385909.1); c.411dup, p.Phe138fs (NM_001385910.1); c.243dup, p.Phe82fs (NM_001385912.1); c.837dup, p.Phe280fs (NM_001385913.1); c.408dup, p.Phe137fs (NM_001385914.1); short protein forms F137fs, F280fs, F285fs, F82fs, F138fs.
Identifiers: ClinVar variation 4773727 (VCV004773727.1).

ClinVar aggregate classification (germline): Uncertain significance (1 of 4 stars; one submission).

Submission:

Labcorp Genetics (formerly Invitae), Labcorp
Classification: Uncertain significance. Last evaluated: 2025-07-24. Review status: criteria provided, single submitter. Criteria: Invitae Variant Classification Sherloc (09022015). Collection method: clinical testing. Allele origin: germline.
Comment: This sequence change creates a premature translational stop signal (p.Phe285Ilefs*20) in the DDX58 gene. It is expected to result in an absent or disrupted protein product. However, the current clinical and genetic evidence is not sufficient to establish whether loss-of-function variants in DDX58 cause disease. This variant is not present in population databases (gnomAD no frequency). This variant has not been reported in the literature in individuals affected with DDX58-related conditions. In summary, the available evidence is currently insufficient to determine the role of this variant in disease. Therefore, it has been classified as a Variant of Uncertain Significance.